The following is an entry in ClinVar:

ClinVar aggregate classification (germline): Uncertain significance (1 of 4 stars; one submission).

Conditions:
Inborn genetic diseases. Identifiers: MedGen C0950123, MeSH D030342.

Submission:

Ambry Genetics
Classification: Uncertain significance for Inborn genetic diseases. Last evaluated: 2026-08-01. Review status: criteria provided, single submitter. Criteria: Ambry Variant Classification Scheme 2023. Collection method: clinical testing. Allele origin: germline.
Comment: The p.R1277G variant (also known as c.3829A>G), located in coding exon 34 of the RTEL1 gene, results from an A to G substitution at nucleotide position 3829. The arginine at codon 1277 is replaced by glycine, an amino acid with dissimilar properties. This amino acid position is conserved. In addition, the in silico prediction for this alteration is inconclusive. Based on the available evidence, the clinical significance of this variant remains unclear.

NM_001283009.2(RTEL1):c.3829A>G (p.Arg1277Gly)

Genes: RTEL1 (regulator of telomere elongation helicase 1; plus strand), RTEL1-TNFRSF6B (RTEL1-TNFRSF6B readthrough (NMD candidate); plus strand). Cytogenetic location: 20q13.33.
Variant type: single nucleotide variant.
Coding change: c.3829A>G on transcript NM_001283009.2 (MANE Select); coding-DNA position 3829, A replaced by G.
Protein change: p.Arg1277Gly; replaces arginine 1277 with glycine.
Molecular consequence: missense variant. On other transcripts: non-coding transcript variant (1), stop lost (3).
Genome position (GRCh38, 1-based): chr20:63,695,784, A>G. VCF-style: chr20-63695784-A-G. GRCh37 (hg19) VCF-style: chr20-62327137-A-G.
Other names: c.2990A>G, p.Ter997Trp (NM_001283010.1); c.3659A>G, p.Ter1220Trp (NM_016434.4); c.3731A>G, p.Ter1244Trp (NM_032957.5); short protein forms R1277G.
Identifiers: ClinVar variation 5028498 (VCV005028498.1).